The following is an entry in ClinVar:

NM_000875.5(IGF1R):c.2019T>C (p.Tyr673=)

Gene: IGF1R (insulin like growth factor 1 receptor; plus strand). Cytogenetic location: 15q26.3.
Variant type: single nucleotide variant.
Coding change: c.2019T>C on transcript NM_000875.5 (MANE Select); coding-DNA position 2019, T replaced by C.
Protein change: p.Tyr673=; no amino-acid change (tyrosine 673 retained).
Molecular consequence: synonymous variant.
Genome position (GRCh38, 1-based): chr15:98,916,694, T>C. VCF-style: chr15-98916694-T-C. GRCh37 (hg19) VCF-style: chr15-99459923-T-C.
Other names: c.2019T>C, p.Tyr673= (NM_001291858.2).
Identifiers: ClinVar variation 3042659 (VCV003042659.2), dbSNP rs752872057, ClinGen allele CA7752278.

ClinVar aggregate classification (germline): Likely benign (0 of 4 stars; one submission).

Conditions:
IGF1R-related disorder. Also called: IGF1R-related condition.

Allele frequency attached by ClinVar (database versions not stated): TOPMed below 0.00001; ExAC 0.00001; gnomAD 0.00001; gnomAD exomes 0.00002.
gnomAD v4.1: 30 of 1,614,032 alleles (0.0019%); highest among the groups gnomAD compares: Non-Finnish European, 0.0025%; no homozygotes.

Submission:

PreventionGenetics, part of Exact Sciences
Classification: Likely benign for IGF1R-related condition. Last evaluated: 2019-06-27. Review status: no assertion criteria provided. Collection method: clinical testing. Allele origin: germline.
Comment: This variant is classified as likely benign based on ACMG/AMP sequence variant interpretation guidelines (Richards et al. 2015 PMID: 25741868, with internal and published modifications).